The following is an entry in ClinVar:

ClinVar aggregate classification (germline): Uncertain significance. Review status: criteria provided, multiple submitters, no conflicts (2 of 4 stars). 4 submissions from 3 submitters: Uncertain significance (4). Last evaluated 2022-02-10.

Conditions:
Hawkinsinuria. Identifiers: Orphanet 2118, MedGen C2931042, MONDO:0007700, OMIM 140350, HP:0034457.
Tyrosinemia type III. Also called: Tyrosinemia type 3; 4-alpha hydroxyphenylpyruvic acid oxidase deficiency; 4-alpha hydroxyphenylpyruvate dioxygenase deficiency; 4-Hydroxyphenylpyruvate dioxygenase deficiency; 4-HYDROXYPHENYLPYRUVIC ACID OXIDASE DEFICIENCY. Identifiers: Orphanet 69723, MedGen C0268623, MONDO:0010162, OMIM 276710.

Allele frequency attached by ClinVar (database versions not stated): ExAC 0.00004; TOPMed 0.00004; gnomAD 0.00005; gnomAD exomes 0.00006; 1000 Genomes Project 0.00020; 1000 Genomes Project 30x 0.00031.
gnomAD v4.1: 78 of 1,614,108 alleles (0.0048%); highest among the groups gnomAD compares: African/African-American, 0.008%; no homozygotes.

Submissions (4):

Labcorp Genetics (formerly Invitae), Labcorp
Classification: Uncertain significance for Tyrosinemia type III; Hawkinsinuria. Last evaluated: 2022-02-10. Review status: criteria provided, single submitter. Criteria: Invitae Variant Classification Sherloc (09022015). Collection method: clinical testing. Allele origin: germline.
Comment: This sequence change replaces threonine, which is neutral and polar, with methionine, which is neutral and non-polar, at codon 305 of the HPD protein (p.Thr305Met). This variant is present in population databases (rs200010805, gnomAD 0.007%). This variant has not been reported in the literature in individuals affected with HPD-related conditions. ClinVar contains an entry for this variant (Variation ID: 307480). Algorithms developed to predict the effect of missense changes on protein structure and function (SIFT, PolyPhen-2, Align-GVGD) all suggest that this variant is likely to be tolerated. In summary, the available evidence is currently insufficient to determine the role of this variant in disease. Therefore, it has been classified as a Variant of Uncertain Significance.

GeneDx
Classification: Uncertain significance. Last evaluated: 2021-05-07. Review status: criteria provided, single submitter. Criteria: GeneDx Variant Classification Process June 2021. Collection method: clinical testing. Allele origin: germline. Affected: yes.
Comment: In silico analysis, which includes protein predictors and evolutionary conservation, supports that this variant does not alter protein structure/function; Has not been previously published as pathogenic or benign to our knowledge

Illumina Laboratory Services, Illumina
Classification: Uncertain significance for Hawkinsinuria. Last evaluated: 2018-01-13. Review status: criteria provided, single submitter. Criteria: ICSL Variant Classification Criteria 13 December 2019. Collection method: clinical testing. Allele origin: germline.

Illumina Laboratory Services, Illumina
Classification: Uncertain significance for Tyrosinemia type III. Last evaluated: 2018-01-13. Review status: criteria provided, single submitter. Criteria: ICSL Variant Classification Criteria 13 December 2019. Collection method: clinical testing. Allele origin: germline.

NM_002150.3(HPD):c.914C>T (p.Thr305Met)

Genes: HPD (4-hydroxyphenylpyruvate dioxygenase; minus strand), TIALD (transcript inducer of AURKA lysosomal degradation; plus strand). Cytogenetic location: 12q24.31.
Variant type: single nucleotide variant.
Coding change: c.914C>T on transcript NM_002150.3 (MANE Select); coding-DNA position 914, C replaced by T.
Protein change: p.Thr305Met; replaces threonine 305 with methionine.
Molecular consequence: missense variant.
Genome position (GRCh38, 1-based): chr12:121,843,750, G>A on the plus strand (C>T on the coding strand, the complement: HPD is on the minus strand). VCF-style: chr12-121843750-G-A. GRCh37 (hg19) VCF-style: chr12-122281656-G-A.
Other names: c.797C>T, p.Thr266Met (NM_001171993.2); short protein forms T266M, T305M.
Identifiers: ClinVar variation 307480 (VCV000307480.10), dbSNP rs200010805, ClinGen allele CA6839486.